The following is an entry in ClinVar:

ClinVar aggregate classification (germline): Uncertain significance. Review status: criteria provided, multiple submitters, no conflicts (2 of 4 stars). 2 submissions from 2 submitters: Uncertain significance (2). Last evaluated 2024-03-30.

Conditions:
Myasthenic syndrome, congenital, 22 (CMS22). Also called: PREPL DEFICIENCY. Identifiers: MedGen C4479088, MONDO:0044299, OMIM 616224.

Allele frequency attached by ClinVar (database versions not stated): ExAC 0.00006; TOPMed 0.00004; gnomAD exomes 0.00004 and 0.00006; gnomAD 0.00006; ESP Exome Variant Server 0.00015.

Submissions (2):

Revvity Omics, Revvity
Classification: Uncertain significance for Myasthenic syndrome, congenital, 22. Last evaluated: 2024-03-30. Review status: criteria provided, single submitter. Criteria: ACMG Guidelines, 2015. Collection method: clinical testing. Allele origin: germline.

Labcorp Genetics (formerly Invitae), Labcorp
Classification: Uncertain significance for Myasthenic syndrome, congenital, 22. Last evaluated: 2023-10-03. Review status: criteria provided, single submitter. Criteria: Invitae Variant Classification Sherloc (09022015). Collection method: clinical testing. Allele origin: germline.
Comment: This sequence change replaces glutamic acid, which is acidic and polar, with alanine, which is neutral and non-polar, at codon 309 of the PREPL protein (p.Glu309Ala). This variant is present in population databases (rs370146295, gnomAD 0.007%). This variant has not been reported in the literature in individuals affected with PREPL-related conditions. ClinVar contains an entry for this variant (Variation ID: 648215). Advanced modeling of protein sequence and biophysical properties (such as structural, functional, and spatial information, amino acid conservation, physicochemical variation, residue mobility, and thermodynamic stability) performed at Invitae indicates that this missense variant is not expected to disrupt PREPL protein function. In summary, the available evidence is currently insufficient to determine the role of this variant in disease. Therefore, it has been classified as a Variant of Uncertain Significance.

NM_001171613.2(PREPL):c.659A>C (p.Glu220Ala)

Gene: PREPL (prolyl endopeptidase like; minus strand). Cytogenetic location: 2p21.
Variant type: single nucleotide variant.
Coding change: c.659A>C on transcript NM_001171613.2 (MANE Select); coding-DNA position 659, A replaced by C.
Protein change: p.Glu220Ala; replaces glutamic acid 220 with alanine.
Molecular consequence: missense variant.
Genome position (GRCh38, 1-based): chr2:44,339,190, T>G on the plus strand (A>C on the coding strand, the complement: PREPL is on the minus strand). VCF-style: chr2-44339190-T-G. GRCh37 (hg19) VCF-style: chr2-44566329-T-G.
Other names: c.926A>C, p.Glu309Ala (NM_006036.4, NM_001042385.2, NM_001042386.2 and 4 more transcripts); c.659A>C, p.Glu220Ala (NM_001171617.1, NM_001374277.1); short protein forms E220A, E309A.
Identifiers: ClinVar variation 648215 (VCV000648215.5), dbSNP rs370146295, ClinGen allele CA1641400.
Genomic context (GRCh38, chr2:44,339,190, plus strand): 5'-CGAGCATCCAGGATTACCTTAAATTCTGTAGGTTCTCCAACATTAGTGAGAATGTATAAT[T>G]CATCATCTCTGTGTTCAACATAGTAAAGGACCCCATGTATTCGCTTCTGGATAAGTACTG-3'
Protein context (NP_001165084.1, residues 210-230): VLYYVEHRDD[Glu220Ala]LYILTNVGEP